The following is an entry in ClinVar:

ClinVar aggregate classification (germline): Pathogenic (1 of 4 stars; one submission).

Conditions:
Biotin-responsive basal ganglia disease (BTBGD). Also called: THIAMINE METABOLISM DYSFUNCTION SYNDROME 2 (BIOTIN- AND THIAMINE-RESPONSIVE TYPE); Thiamine Transporter-2 Deficiency; Thiamine metabolism dysfunction syndrome type 2; Thiamine metabolism dysfunction syndrome 2 (biotin- or thiamine-responsive encephalopathy type 2); thiamine-responsive encephalopathy. Identifiers: Orphanet 199348, Orphanet 65284, MedGen C1843807, MONDO:0011841, OMIM 607483.

Submission:

Labcorp Genetics (formerly Invitae), Labcorp
Classification: Pathogenic for Biotin-responsive basal ganglia disease. Last evaluated: 2022-12-26. Review status: criteria provided, single submitter. Criteria: Invitae Variant Classification Sherloc (09022015). Collection method: clinical testing. Allele origin: germline.
Comment: This variant is not present in population databases (gnomAD no frequency). This sequence change creates a premature translational stop signal (p.Lys44*) in the SLC19A3 gene. It is expected to result in an absent or disrupted protein product. Loss-of-function variants in SLC19A3 are known to be pathogenic (PMID: 23423671, 23482991). This variant has not been reported in the literature in individuals affected with SLC19A3-related conditions. For these reasons, this variant has been classified as Pathogenic.

Literature cited by the submitters: PubMed 23423671; PubMed 23482991.

NM_025243.4(SLC19A3):c.129dup (p.Lys44Ter)

Gene: SLC19A3 (solute carrier family 19 member 3; minus strand). Cytogenetic location: 2q36.3.
Variant type: Duplication.
Coding change: c.129dup on transcript NM_025243.4 (MANE Select); coding-DNA position 129, one base duplicated (T; older notation c.129dupT).
Protein change: p.Lys44Ter; replaces lysine 44 with a stop codon.
Molecular consequence: nonsense. On other transcripts: 5 prime UTR variant (2).
Genome position (GRCh38, 1-based): chr2:227,702,190, A duplicated on the plus strand (T on the coding strand, the reverse complement: SLC19A3 is on the minus strand). VCF-style (leftmost placement, unchanged base first): chr2-227702189-T-TA. GRCh37 (hg19) VCF-style: chr2-228566905-T-TA.
Other names: c.129dup, p.Lys44Ter (NM_001371411.1, NM_001371412.1); c.-80dup (NM_001371413.1, NM_001371414.1); short protein forms K44*.
Identifiers: ClinVar variation 2824259 (VCV002824259.3), dbSNP rs2470580726, ClinGen allele CA2739278490.